The following is an entry in ClinVar:

NM_017617.5(NOTCH1):c.7311G>T (p.Glu2437Asp)

Gene: NOTCH1 (notch receptor 1; minus strand). Cytogenetic location: 9q34.3.
Variant type: single nucleotide variant.
Coding change: c.7311G>T on transcript NM_017617.5 (MANE Select); coding-DNA position 7311, G replaced by T.
Protein change: p.Glu2437Asp; replaces glutamic acid 2437 with aspartic acid.
Molecular consequence: missense variant.
Genome position (GRCh38, 1-based): chr9:136,496,428, C>A on the plus strand (G>T on the coding strand, the complement: NOTCH1 is on the minus strand). VCF-style: chr9-136496428-C-A. GRCh37 (hg19) VCF-style: chr9-139390880-C-A.
Other names: c.7311G>T, p.Glu2437Asp (LRG_1122t1); short protein forms E2437D.
Identifiers: ClinVar variation 264070 (VCV000264070.11), dbSNP rs886039031, ClinGen allele CA10587665.

ClinVar aggregate classification (germline): Uncertain significance. Review status: criteria provided, multiple submitters, no conflicts (2 of 4 stars). 4 submissions from 3 submitters: Uncertain significance (4). Last evaluated 2022-03-15.

Conditions:
Cardiovascular phenotype. Identifiers: MedGen CN230736.
Adams-Oliver syndrome 5 (AOS5). Identifiers: Orphanet 974, MedGen C4014970, MONDO:0014459, OMIM 616028.
Aortic valve disease 1 (AOVD1). Identifiers: MedGen C3887892, MONDO:0024523, OMIM 109730.

Submissions (4):

Genome-Nilou Lab
Classification: Uncertain significance for Adams-Oliver syndrome 5. Last evaluated: 2022-03-15. Review status: criteria provided, single submitter. Criteria: ACMG Guidelines, 2015. Collection method: clinical testing. Allele origin: germline. Affected: no.

Genome-Nilou Lab
Classification: Uncertain significance for Aortic valve disease 1. Last evaluated: 2022-03-15. Review status: criteria provided, single submitter. Criteria: ACMG Guidelines, 2015. Collection method: clinical testing. Allele origin: germline. Affected: no.

Labcorp Genetics (formerly Invitae), Labcorp
Classification: Uncertain significance for Adams-Oliver syndrome 5. Last evaluated: 2021-03-15. Review status: criteria provided, single submitter. Criteria: Invitae Variant Classification Sherloc (09022015). Collection method: clinical testing. Allele origin: germline.
Comment: This sequence change replaces glutamic acid with aspartic acid at codon 2437 of the NOTCH1 protein (p.Glu2437Asp). The glutamic acid residue is highly conserved and there is a small physicochemical difference between glutamic acid and aspartic acid. This variant is not present in population databases (ExAC no frequency). This variant has not been reported in the literature in individuals with NOTCH1-related conditions. ClinVar contains an entry for this variant (Variation ID: 264070). Advanced modeling of protein sequence and biophysical properties (such as structural, functional, and spatial information, amino acid conservation, physicochemical variation, residue mobility, and thermodynamic stability) performed at Invitae indicates that this missense variant is not expected to disrupt NOTCH1 protein function. In summary, the available evidence is currently insufficient to determine the role of this variant in disease. Therefore, it has been classified as a Variant of Uncertain Significance.

Ambry Genetics
Classification: Uncertain significance for Cardiovascular phenotype. Last evaluated: 2015-06-05. Review status: criteria provided, single submitter. Criteria: Ambry Autosomal Dominant and X-Linked criteria (10/2015). Collection method: clinical testing. Allele origin: germline. Observed: 1 variant allele.
Comment: The p.E2437D variant (also known as c.7311G>T), located in coding exon 34 of the NOTCH1 gene, results from a G to T substitution at nucleotide position 7311. The glutamic acid at codon 2437 is replaced by aspartic acid, an amino acid with highly similar properties. This variant was not reported in population based cohorts in the following databases: Database of Single Nucleotide Polymorphisms (dbSNP), NHLBI Exome Sequencing Project (ESP), and 1000 Genomes Project. In the ESP, this variant was not observed in 6348 samples (12696 alleles) with coverage at this position. This amino acid position is well conserved in available vertebrate species. In addition, this alteration is predicted to be tolerated by in silico analysis.Since supporting evidence is limited at this time, the clinical significance of this variant remains unclear.